The following is an entry in ClinVar:

ClinVar aggregate classification (germline): Pathogenic. Review status: criteria provided, multiple submitters, no conflicts (2 of 4 stars). 2 submissions from 2 submitters: Pathogenic (2). Last evaluated 2024-01-31.

Conditions:
Familial adenomatous polyposis 1 (FAP1). Also called: FAMILIAL ADENOMATOUS POLYPOSIS 1, ATTENUATED; POLYPOSIS, ADENOMATOUS INTESTINAL. Identifiers: MedGen C2713442, MONDO:0021056, OMIM 175100. Disease mechanism: loss of function.
Hereditary cancer-predisposing syndrome. Also called: Hereditary neoplastic syndrome; Tumor predisposition; Hereditary Cancer Syndrome; Neoplastic Syndromes, Hereditary. Identifiers: Orphanet 140162, MedGen C0027672, MeSH D009386, MONDO:0015356.

Submissions (2):

Ambry Genetics
Classification: Pathogenic for Hereditary cancer-predisposing syndrome. Last evaluated: 2024-01-31. Review status: criteria provided, single submitter. Criteria: Ambry Variant Classification Scheme 2023. Collection method: clinical testing. Allele origin: germline.
Comment: The c.517_520delCCTT pathogenic mutation, located in coding exon 4 of the APC gene, results from a deletion of 4 nucleotides at nucleotide positions 517 to 520, causing a translational frameshift with a predicted alternate stop codon (p.P173*). This variant has been observed in individuals with a personal and/or family history that is consistent with APC-associated polyposis conditions (Stekrova J et al. BMC Med Genet, 2007 Apr;8:16; Plawski A et al. Int J Colorectal Dis, 2007 Apr;22:449-51). This variant is considered to be rare based on population cohorts in the Genome Aggregation Database (gnomAD). This alteration is expected to result in loss of function by premature protein truncation or nonsense-mediated mRNA decay. As such, this alteration is interpreted as a disease-causing mutation.

Myriad Genetics, Inc.
Classification: Pathogenic for Familial adenomatous polyposis 1. Last evaluated: 2023-04-26. Review status: criteria provided, single submitter. Criteria: Myriad Autosomal Dominant, Autosomal Recessive and X-Linked Classification Criteria (2023). Collection method: clinical testing. Allele origin: unknown.
Comment: This variant is considered pathogenic. This variant creates a termination codon and is predicted to result in premature protein truncation.

Literature cited by the submitters: PubMed 16710723 (cited by Ambry Genetics); PubMed 17411426 (cited by Ambry Genetics).

NM_000038.6(APC):c.517_520del (p.Leu172_Pro173insTer)

Gene: APC (APC regulator of Wnt signaling pathway; plus strand). Cytogenetic location: 5q22.2.
Variant type: Deletion.
Coding change: c.517_520del on transcript NM_000038.6 (MANE Select); coding-DNA positions 517 to 520, 4 bases deleted (CCTT; older notation c.517_520delCCTT).
Protein change: p.Leu172_Pro173insTer.
Molecular consequence: nonsense. On other transcripts: 5 prime UTR variant (4), non-coding transcript variant (2).
Genome position (GRCh38, 1-based): chr5:112,775,723-112,775,726, CCTT deleted; deleting any 4 consecutive bases within chr5:112,775,720-112,775,726 gives the same sequence; the c. name uses the placement nearest the transcript's 3' end. VCF-style (leftmost placement, unchanged base first): chr5-112775719-TCTTC-T. GRCh37 (hg19) VCF-style: chr5-112111416-TCTTC-T.
Other names: c.517_520delCCTT (NM_000038.5); c.517_520del, p.Leu172_Pro173insTer (NM_001127510.3, NM_001354895.2, NM_001354896.2 and 16 more transcripts); c.547_550del, p.Leu182_Pro183insTer (NM_001127511.3, NM_001354897.2, NM_001354902.2 and 1 more transcripts); c.442_445del, p.Leu147_Pro148insTer (NM_001354898.2, NM_001354904.2, NM_001407451.1); c.340_343del, p.Leu113_Pro114insTer (NM_001354900.2, NM_001354901.2, NM_001354905.2 and 1 more transcripts); c.-519_-516del (NM_001354906.2, NM_001407470.1, NM_001407471.1 and 1 more transcripts).
Identifiers: ClinVar variation 2583951 (VCV002583951.2), dbSNP rs2532416337, ClinGen allele CA658760457.